The following is an entry in ClinVar:

ClinVar aggregate classification (germline): Uncertain significance (1 of 4 stars; one submission).

Submission:

Labcorp Genetics (formerly Invitae), Labcorp
Classification: Uncertain significance. Last evaluated: 2022-11-07. Review status: criteria provided, single submitter. Criteria: Invitae Variant Classification Sherloc (09022015). Collection method: clinical testing. Allele origin: unknown.
Comment: In summary, the available evidence is currently insufficient to determine the role of this variant in disease. Therefore, it has been classified as a Variant of Uncertain Significance. This variant has not been reported in the literature in individuals affected with SMPX-related conditions. This variant results in a copy number gain of the genomic region encompassing exon(s) 3-4 of the SMPX gene. This region includes the termination codon of the gene. This copy number gain extends beyond the assayed region for this gene and therefore may encompass additional genes. As the precise location of this event is unknown, it may be in tandem or it may be located elsewhere in the genome.

NC_000023.10:g.(?_21755681)_(21761974_?)dup

Gene: SMPX (small muscle protein X-linked; minus strand). Cytogenetic location: Xp22.12.
Variant type: Duplication.
Identifiers: ClinVar variation 3246762 (VCV003246762.1).